The following is an entry in ClinVar:

NM_032833.5(PPP1R15B):c.555G>C (p.Leu185=)

Gene: PPP1R15B (protein phosphatase 1 regulatory subunit 15B; minus strand). Cytogenetic location: 1q32.1.
Variant type: single nucleotide variant.
Coding change: c.555G>C on transcript NM_032833.5 (MANE Select); coding-DNA position 555, G replaced by C.
Protein change: p.Leu185=; no amino-acid change (leucine 185 retained).
Molecular consequence: synonymous variant.
Genome position (GRCh38, 1-based): chr1:204,410,857, C>G on the plus strand (G>C on the coding strand, the complement: PPP1R15B is on the minus strand). VCF-style: chr1-204410857-C-G. GRCh37 (hg19) VCF-style: chr1-204379985-C-G.
Identifiers: ClinVar variation 2639827 (VCV002639827.24), dbSNP rs2526509519, ClinGen allele CA423123241.

ClinVar aggregate classification (germline): Likely benign (1 of 4 stars; one submission).

Allele frequency attached by ClinVar (database versions not stated): gnomAD exomes below 0.00001.
gnomAD v4.1: 2 of 1,614,224 alleles (0.00012%); highest among the groups gnomAD compares: Non-Finnish European, 0.000085%; no homozygotes.

Submission:

CeGaT Center for Human Genetics Tuebingen
Classification: Likely benign. Last evaluated: 2022-03-01. Review status: criteria provided, single submitter. Criteria: CeGaT Center For Human Genetics Tuebingen Variant Classification Criteria Version 2. Collection method: clinical testing. Allele origin: germline. Affected: yes. Observed: 1 variant allele.
Comment: PPP1R15B: PM2:Supporting, BP4, BP7